The following is an entry in ClinVar:

NM_032977.4(CASP10):c.308A>G (p.Glu103Gly)

Gene: CASP10 (caspase 10; plus strand). Cytogenetic location: 2q33.1.
Variant type: single nucleotide variant.
Coding change: c.308A>G on transcript NM_032977.4 (MANE Select); coding-DNA position 308, A replaced by G.
Protein change: p.Glu103Gly; replaces glutamic acid 103 with glycine.
Molecular consequence: missense variant.
Genome position (GRCh38, 1-based): chr2:201,186,085, A>G. VCF-style: chr2-201186085-A-G. GRCh37 (hg19) VCF-style: chr2-202050808-A-G.
Other names: c.308A>G, p.Glu103Gly (NM_001206524.2, NM_001206542.2, NM_001230.5 and 3 more transcripts); short protein forms E103G.
Identifiers: ClinVar variation 3758435 (VCV003758435.2).
Genomic context (GRCh38, chr2:201,186,085, plus strand): 5'-TCTATATCATACGGCAGAAGAAGCTGCTGCAGCACCTCAACTGTACCAAAGAGGAAGTGG[A>G]GCGACTGCTGCCCACCCGACAAAGGGTTTCTCTGTTTAGGTGAGGACGGGTCTGTGGTGG-3'
Protein context (NP_116759.2, residues 93-113): QHLNCTKEEV[Glu103Gly]RLLPTRQRVS

ClinVar aggregate classification (germline): Uncertain significance (1 of 4 stars; one submission).

Conditions:
Autoimmune lymphoproliferative syndrome type 2A (ALPS2A). Also called: CASP10-Related Autoimmune Lymphoproliferative Syndrome; AUTOIMMUNE LYMPHOPROLIFERATIVE SYNDROME, TYPE IIA; Autoimmune lymphoproliferative syndrome type 2. Identifiers: Orphanet 3261, MedGen C1858968, MONDO:0011383, OMIM 603909.

Submission:

Labcorp Genetics (formerly Invitae), Labcorp
Classification: Uncertain significance for Autoimmune lymphoproliferative syndrome type 2A. Last evaluated: 2024-11-27. Review status: criteria provided, single submitter. Criteria: Invitae Variant Classification Sherloc (09022015). Collection method: clinical testing. Allele origin: germline.
Comment: This sequence change replaces glutamic acid, which is acidic and polar, with glycine, which is neutral and non-polar, at codon 103 of the CASP10 protein (p.Glu103Gly). This variant is not present in population databases (gnomAD no frequency). This variant has not been reported in the literature in individuals affected with CASP10-related conditions. Invitae Evidence Modeling of protein sequence and biophysical properties (such as structural, functional, and spatial information, amino acid conservation, physicochemical variation, residue mobility, and thermodynamic stability) indicates that this missense variant is not expected to disrupt CASP10 protein function with a negative predictive value of 80%. In summary, the available evidence is currently insufficient to determine the role of this variant in disease. Therefore, it has been classified as a Variant of Uncertain Significance.